The following is an entry in ClinVar:

ClinVar aggregate classification (germline): Uncertain significance. Review status: criteria provided, multiple submitters, no conflicts (2 of 4 stars). 3 submissions from 3 submitters: Uncertain significance (3). Last evaluated 2025-10-19.

Conditions:
Holoprosencephaly 9 (HPE9). Also called: PITUITARY ANOMALIES WITH HOLOPROSENCEPHALY-LIKE FEATURES; HOLOPROSENCEPHALY WITH MICROPHTHALMIA AND FIRST BRANCHIAL ARCH ANOMALIES. Identifiers: Orphanet 2162, MedGen C1835819, MONDO:0012563, OMIM 610829.
Postaxial polydactyly-anterior pituitary anomalies-facial dysmorphism syndrome. Also called: Culler-Jones syndrome. Identifiers: Orphanet 420584, MedGen C4014479, MONDO:0014369, OMIM 615849.

Allele frequency attached by ClinVar (database versions not stated): gnomAD 0.00002; gnomAD exomes 0.00003 and 0.00008; TOPMed 0.00003; ExAC 0.00008.
gnomAD v4.1: 51 of 1,572,442 alleles (0.0032%); highest among the groups gnomAD compares: South Asian, 0.0092%; no homozygotes.

Submissions (3):

Labcorp Genetics (formerly Invitae), Labcorp
Classification: Uncertain significance for Postaxial polydactyly-anterior pituitary anomalies-facial dysmorphism syndrome; Holoprosencephaly 9. Last evaluated: 2025-10-19. Review status: criteria provided, single submitter. Criteria: Invitae Variant Classification Sherloc (09022015). Collection method: clinical testing. Allele origin: germline.
Comment: This sequence change replaces alanine, which is neutral and non-polar, with serine, which is neutral and polar, at codon 816 of the GLI2 protein (p.Ala816Ser). This variant is present in population databases (rs767780220, gnomAD 0.08%), and has an allele count higher than expected for a pathogenic variant. This variant has not been reported in the literature in individuals affected with GLI2-related conditions. ClinVar contains an entry for this variant (Variation ID: 330979). Invitae Evidence Modeling of protein sequence and biophysical properties (such as structural, functional, and spatial information, amino acid conservation, physicochemical variation, residue mobility, and thermodynamic stability) indicates that this missense variant is expected to disrupt GLI2 protein function with a positive predictive value of 80%. In summary, the available evidence is currently insufficient to determine the role of this variant in disease. Therefore, it has been classified as a Variant of Uncertain Significance.

Women's Health and Genetics/Laboratory Corporation of America, LabCorp
Classification: Uncertain significance. Last evaluated: 2025-04-04. Review status: criteria provided, single submitter. Criteria: LabCorp Variant Classification Summary - May 2015. Collection method: clinical testing. Allele origin: germline.
Comment: Variant summary: GLI2 c.2446G>T (p.Ala816Ser) results in a conservative amino acid change in the encoded protein sequence. Four of five in-silico tools predict a damaging effect of the variant on protein function. The variant allele was found at a frequency of 7.8e-05 in 193088 control chromosomes. This frequency is not significantly higher than estimated for a pathogenic variant in GLI2 causing GLI2-Related Disorders, allowing no conclusion about variant significance. To our knowledge, no occurrence of c.2446G>T in individuals affected with GLI2-Related Disorders and no experimental evidence demonstrating its impact on protein function have been reported. ClinVar contains an entry for this variant (Variation ID: 330979). Based on the evidence outlined above, the variant was classified as uncertain significance.

Illumina Laboratory Services, Illumina
Classification: Uncertain significance for Holoprosencephaly 9. Last evaluated: 2018-01-12. Review status: criteria provided, single submitter. Criteria: ICSL Variant Classification Criteria 13 December 2019. Collection method: clinical testing. Allele origin: germline.

NM_001374353.1(GLI2):c.2395G>T (p.Ala799Ser)

Gene: GLI2 (GLI family zinc finger 2; plus strand). Cytogenetic location: 2q14.2.
Variant type: single nucleotide variant.
Coding change: c.2395G>T on transcript NM_001374353.1 (MANE Select); coding-DNA position 2395, G replaced by T.
Protein change: p.Ala799Ser; replaces alanine 799 with serine.
Molecular consequence: missense variant.
Genome position (GRCh38, 1-based): chr2:120,988,360, G>T. VCF-style: chr2-120988360-G-T. GRCh37 (hg19) VCF-style: chr2-121745936-G-T.
Other names: c.2446G>T, p.Ala816Ser (NM_001371271.1, NM_005270.5); c.2020G>T, p.Ala674Ser (NM_001374354.1); short protein forms A816S, A674S, A799S.
Identifiers: ClinVar variation 330979 (VCV000330979.8), dbSNP rs767780220, ClinGen allele CA1852225.